The following is an entry in ClinVar:

ClinVar aggregate classification (germline): Pathogenic (1 of 4 stars; one submission).

Conditions:
Neurofibromatosis, type 2 (SWNV). Also called: BILATERAL ACOUSTIC NEUROFIBROMATOSIS; SCHWANNOMATOSIS, VESTIBULAR; NF2-Related Schwannomatosis. Identifiers: Orphanet 637, MedGen C0027832, MONDO:0007039, OMIM 101000. Disease mechanism: loss of function.

Submission:

Labcorp Genetics (formerly Invitae), Labcorp
Classification: Pathogenic for Neurofibromatosis, type 2. Last evaluated: 2021-04-26. Review status: criteria provided, single submitter. Criteria: Invitae Variant Classification Sherloc (09022015). Collection method: clinical testing. Allele origin: germline.
Comment: For these reasons, this variant has been classified as Pathogenic. The region of the NF2 gene that includes exon(s) 5 have been determined to be clinically significant (PMID: 2543905, 15645494, Invitae). Therefore, deletions that encompass that region are likely to disrupt protein function and cause disease. This variant has not been reported in the literature in individuals with NF2-related conditions. This variant is a gross deletion of the genomic region encompassing exon(s) 2-16 of the NF2 gene. The 5' boundary is likely confined to intron 1. The 3' end of this event is unknown as it extends through the termination codon beyond the assayed region for this gene and may encompass additional genes. While this deletion is not anticipated to lead to nonsense mediated decay, it is expected to alter mRNA translation or result in a truncated protein product.

Literature cited by the submitters: PubMed 2543905; PubMed 15645494.

NC_000022.10:g.(?_30032730)_(30090791_?)del

Gene: NF2 (NF2, moesin-ezrin-radixin like (MERLIN) tumor suppressor; plus strand). Cytogenetic location: 22q12.2.
Variant type: Deletion.
Identifiers: ClinVar variation 1454813 (VCV001454813.10).